The following is an entry in ClinVar:

NM_001270974.2(HYDIN):c.8380A>G (p.Ile2794Val)

Gene: HYDIN (HYDIN axonemal central pair apparatus protein; minus strand). Cytogenetic location: 16q22.2.
Variant type: single nucleotide variant.
Coding change: c.8380A>G on transcript NM_001270974.2 (MANE Select); coding-DNA position 8380, A replaced by G.
Protein change: p.Ile2794Val; replaces isoleucine 2794 with valine.
Molecular consequence: missense variant.
Genome position (GRCh38, 1-based): chr16:70,908,268, T>C on the plus strand (A>G on the coding strand, the complement: HYDIN is on the minus strand). VCF-style: chr16-70908268-T-C. GRCh37 (hg19) VCF-style: chr16-70942171-T-C.
Other names: short protein forms I2794V.
Identifiers: ClinVar variation 3250439 (VCV003250439.1), dbSNP rs1317515404.

ClinVar aggregate classification (germline): Uncertain significance (1 of 4 stars; one submission).

Conditions:
Primary ciliary dyskinesia 5. Also called: CILIARY DYSKINESIA, PRIMARY, 5, WITHOUT SITUS INVERSUS. Identifiers: Orphanet 244, MedGen C1837615, MONDO:0012088, OMIM 608647.

Submission:

Neuberg Centre For Genomic Medicine, NCGM
Classification: Uncertain significance for Primary ciliary dyskinesia 5. Review status: criteria provided, single submitter. Criteria: ACMG Guidelines, 2015. Collection method: clinical testing. Allele origin: germline. Inheritance: Autosomal recessive inheritance. Affected: yes.
Comment: The missense c.8380A>G (p.Ile2794Val) variant in HYDIN gene has not been reported previously as a pathogenic variant nor as a benign variant, to our knowledge. The p.Ile2794Val variant has allele frequency 0.001% in gnomAD Exomes and is novel (not in any individuals) in 1000 Genomes. This variant has not been reported to the ClinVar database. The amino acid change p.Ile2794Val in HYDIN is predicted as conserved by GERP++ and PhyloP across 100 vertebrates. The amino acid Ile at position 2794 is changed to a Val changing protein sequence and it might alter its composition and physico-chemical properties. For these reasons, this variant has been classified as Variant of Uncertain Significance (VUS).